The following is an entry in ClinVar:

NM_004700.4(KCNQ4):c.832A>G (p.Thr278Ala)

Gene: KCNQ4 (potassium voltage-gated channel subfamily Q member 4; plus strand). Cytogenetic location: 1p34.2.
Variant type: single nucleotide variant.
Coding change: c.832A>G on transcript NM_004700.4 (MANE Select); coding-DNA position 832, A replaced by G.
Protein change: p.Thr278Ala; replaces threonine 278 with alanine.
Molecular consequence: missense variant.
Genome position (GRCh38, 1-based): chr1:40,819,470, A>G. VCF-style: chr1-40819470-A-G. GRCh37 (hg19) VCF-style: chr1-41285142-A-G.
Other names: c.832A>G, p.Thr278Ala (NM_172163.3); short protein forms T278A.
Identifiers: ClinVar variation 517414 (VCV000517414.7), dbSNP rs763326539, ClinGen allele CA794642.

ClinVar aggregate classification (germline): Uncertain significance. Review status: criteria provided, multiple submitters, no conflicts (2 of 4 stars). 4 submissions from 4 submitters: Uncertain significance (4). Last evaluated 2025-06-23.

Conditions:
Inborn genetic diseases. Identifiers: MedGen C0950123, MeSH D030342.

Allele frequency attached by ClinVar (database versions not stated): gnomAD exomes below 0.00001 and 0.00001; ExAC 0.00001; gnomAD 0.00002 and 0.00003; TOPMed 0.00014.
gnomAD v4.1: 10 of 1,613,312 alleles (0.00062%); highest among the groups gnomAD compares: Admixed American, 0.015%; no homozygotes.

Submissions (4):

Ambry Genetics
Classification: Uncertain significance for Inborn genetic diseases. Last evaluated: 2025-06-23. Review status: criteria provided, single submitter. Criteria: Ambry Variant Classification Scheme 2023. Collection method: clinical testing. Allele origin: germline.
Comment: The c.832A>G (p.T278A) alteration is located in exon 5 (coding exon 5) of the KCNQ4 gene. This alteration results from an A to G substitution at nucleotide position 832, causing the threonine (T) at amino acid position 278 to be replaced by an alanine (A). Based on data from gnomAD, the G allele has an overall frequency of <0.001% (1/251390) total alleles studied. The highest observed frequency was 0.003% (1/34572) of Latino alleles. This amino acid position is highly conserved in available vertebrate species. In an assay testing KCNQ4 function, this variant showed a functionally abnormal result (Jung, 2019). This alteration is predicted to be deleterious by in silico analysis. Based on insufficient or conflicting evidence, the clinical significance of this alteration remains unclear.

Labcorp Genetics (formerly Invitae), Labcorp
Classification: Uncertain significance. Last evaluated: 2025-02-10. Review status: criteria provided, single submitter. Criteria: Invitae Variant Classification Sherloc (09022015). Collection method: clinical testing. Allele origin: germline.
Comment: This sequence change replaces threonine, which is neutral and polar, with alanine, which is neutral and non-polar, at codon 278 of the KCNQ4 protein (p.Thr278Ala). This variant is present in population databases (rs763326539, gnomAD 0.003%). This variant has not been reported in the literature in individuals affected with KCNQ4-related conditions. ClinVar contains an entry for this variant (Variation ID: 517414). Invitae Evidence Modeling of protein sequence and biophysical properties (such as structural, functional, and spatial information, amino acid conservation, physicochemical variation, residue mobility, and thermodynamic stability) has been performed for this missense variant. However, the output from this modeling did not meet the statistical confidence thresholds required to predict the impact of this variant on KCNQ4 protein function. Experimental studies have shown that this missense change affects KCNQ4 function (PMID: 31434872). Algorithms developed to predict the effect of sequence changes on RNA splicing suggest that this variant may disrupt the consensus splice site. In summary, the available evidence is currently insufficient to determine the role of this variant in disease. Therefore, it has been classified as a Variant of Uncertain Significance.

GeneDx
Classification: Uncertain significance. Last evaluated: 2025-01-27. Review status: criteria provided, single submitter. Criteria: GeneDx Variant Classification Process June 2021. Collection method: clinical testing. Allele origin: germline. Affected: yes.
Comment: Not observed at significant frequency in large population cohorts (gnomAD); In silico analysis supports that this missense variant has a deleterious effect on protein structure/function; Has not been previously published as pathogenic or benign in association with a KCNQ4-related disorder to our knowledge; This variant is associated with the following publications: (PMID: 31434872, 23717403, 30311386)

Laboratory for Molecular Medicine, Mass General Brigham Personalized Medicine
Classification: Uncertain significance. Last evaluated: 2017-07-11. Review status: criteria provided, single submitter. Criteria: LMM Criteria. Collection method: clinical testing. Allele origin: germline. Observed: 1 variant allele.
Comment: The p.Thr278Ala variant in KCNQ4 has not been previously reported in individuals with hearing loss, but has been identified in 1/33578 Latino chromosomes by the Genome Aggregation Database (gnomAD; dbSNP r s763326539). Although this variant has been seen in the general population, its frequency is not high enough to rule out a pathogenic role. Computational predic tion tools and conservation analysis do not provide strong support for or agains t an impact to the protein. This variant is located in the last three bases of t he exon, which is part of the 5? splice region. Computational tools do not sugge st an impact to splicing. However, this information is not predictive enough to rule out pathogenicity. In summary, the clinical significance of the p.Thr278Ala variant is uncertain.

Literature cited by the submitters: PubMed 31434872 (cited by Ambry Genetics and Labcorp Genetics (formerly Invitae), Labcorp).